The following is an entry in ClinVar:

NM_001256789.3(CACNA1F):c.3184C>T (p.Leu1062Phe)

Gene: CACNA1F (calcium voltage-gated channel subunit alpha1 F; minus strand). Cytogenetic location: Xp11.23.
Variant type: single nucleotide variant.
Coding change: c.3184C>T on transcript NM_001256789.3 (MANE Select); coding-DNA position 3184, C replaced by T.
Protein change: p.Leu1062Phe; replaces leucine 1062 with phenylalanine.
Molecular consequence: missense variant.
Genome position (GRCh38, 1-based): chrX:49,216,434, G>A on the plus strand (C>T on the coding strand, the complement: CACNA1F is on the minus strand). VCF-style: chrX-49216434-G-A. GRCh37 (hg19) VCF-style: chrX-49072894-G-A.
Other names: c.3022C>T, p.Leu1008Phe (NM_001256790.3); c.3217C>T, p.Leu1073Phe (NM_005183.4); short protein forms L1008F, L1062F, L1073F.
Identifiers: ClinVar variation 1048797 (VCV001048797.6), dbSNP rs2065716962, ClinGen allele CA412963963.
Genomic context (GRCh38, chrX:49,216,434, plus strand): 5'-TCCCTCACGCAGGCCAGCCTTCAAAGGTGGAGACAGTGAACAGGGCCATCATGGCTGAAA[G>A]GACATTGTCAAAGTTGAAATCACTGTTGACCCAGAGCCGCTCCCGGACCAGGGGCCGTGA-3'
Protein context (NP_001243718.1, residues 1052-1072): VNSDFNFDNV[Leu1062Phe]SAMMALFTVS

ClinVar aggregate classification (germline): Uncertain significance. Review status: criteria provided, multiple submitters, no conflicts (2 of 4 stars). 3 submissions from 3 submitters: Uncertain significance (3). Last evaluated 2024-07-31.

Conditions:
Inborn genetic diseases. Identifiers: MedGen C0950123, MeSH D030342.
Abnormality of the eye. Identifiers: MedGen C4316870, HP:0000478.

Allele frequency attached by ClinVar (database versions not stated): gnomAD exomes below 0.00001; gnomAD 0.00001; TOPMed 0.00001.
gnomAD v4.1: 2 of 1,208,541 alleles (0.00017%); highest among the groups gnomAD compares: Admixed American, 0.0044%; no homozygotes.

Submissions (3):

Labcorp Genetics (formerly Invitae), Labcorp
Classification: Uncertain significance. Last evaluated: 2024-07-31. Review status: criteria provided, single submitter. Criteria: Invitae Variant Classification Sherloc (09022015). Collection method: clinical testing. Allele origin: germline.
Comment: This sequence change replaces leucine, which is neutral and non-polar, with phenylalanine, which is neutral and non-polar, at codon 1073 of the CACNA1F protein (p.Leu1073Phe). This variant is not present in population databases (gnomAD no frequency). This variant has not been reported in the literature in individuals affected with CACNA1F-related conditions. ClinVar contains an entry for this variant (Variation ID: 1048797). Advanced modeling of protein sequence and biophysical properties (such as structural, functional, and spatial information, amino acid conservation, physicochemical variation, residue mobility, and thermodynamic stability) performed at Invitae indicates that this missense variant is not expected to disrupt CACNA1F protein function with a negative predictive value of 80%. In summary, the available evidence is currently insufficient to determine the role of this variant in disease. Therefore, it has been classified as a Variant of Uncertain Significance.

Ambry Genetics
Classification: Uncertain significance for Inborn genetic diseases. Last evaluated: 2023-10-17. Review status: criteria provided, single submitter. Criteria: Ambry Variant Classification Scheme 2023. Collection method: clinical testing. Allele origin: germline.

Center for Human Genetics and Genomic Medicine, Uniklinik Rwth Aachen
Classification: Uncertain significance for Abnormality of the eye. Last evaluated: 2021-04-07. Review status: criteria provided, single submitter. Criteria: ACMG Guidelines, 2015. Collection method: clinical testing. Allele origin: unknown. Inheritance: X-linked inheritance. Affected: yes.
Comment: The variant has not yet been listed in the relevant databases (gnomAD, dbSNP) and has not yet been reported in the literature. In bioinformatics, the change is classified inconsistently (CADDphred 24.5). At this point in time, the variant is to be regarded as a "variant of uncertain significance" (ACMG criteria).